The following is an entry in ClinVar:

ClinVar aggregate classification (germline): Uncertain significance. Review status: criteria provided, multiple submitters, no conflicts (2 of 4 stars). 2 submissions from 2 submitters: Uncertain significance (2). Last evaluated 2022-12-24.

Submissions (2):

Labcorp Genetics (formerly Invitae), Labcorp
Classification: Uncertain significance. Last evaluated: 2022-12-24. Review status: criteria provided, single submitter. Criteria: Invitae Variant Classification Sherloc (09022015). Collection method: clinical testing. Allele origin: germline.
Comment: This sequence change replaces leucine, which is neutral and non-polar, with histidine, which is basic and polar, at codon 210 of the RINT1 protein (p.Leu210His). This variant is not present in population databases (gnomAD no frequency). This variant has not been reported in the literature in individuals affected with RINT1-related conditions. ClinVar contains an entry for this variant (Variation ID: 1752699). Algorithms developed to predict the effect of missense changes on protein structure and function are either unavailable or do not agree on the potential impact of this missense change (SIFT: "Tolerated"; PolyPhen-2: "Possibly Damaging"; Align-GVGD: "Class C0"). In summary, the available evidence is currently insufficient to determine the role of this variant in disease. Therefore, it has been classified as a Variant of Uncertain Significance.

Ambry Genetics
Classification: Uncertain significance. Last evaluated: 2022-05-26. Review status: criteria provided, single submitter. Criteria: Ambry Variant Classification Scheme 2023. Collection method: clinical testing. Allele origin: germline.
Comment: The p.L210H variant (also known as c.629T>A), located in coding exon 5 of the RINT1 gene, results from a T to A substitution at nucleotide position 629. The leucine at codon 210 is replaced by histidine, an amino acid with similar properties. This amino acid position is conserved. In addition, this alteration is predicted to be tolerated by in silico analysis. Since supporting evidence is limited at this time, the clinical significance of this alteration remains unclear.

NM_021930.6(RINT1):c.629T>A (p.Leu210His)

Gene: RINT1 (RAD50 interactor 1; plus strand). Cytogenetic location: 7q22.3.
Variant type: single nucleotide variant.
Coding change: c.629T>A on transcript NM_021930.6 (MANE Select); coding-DNA position 629, T replaced by A.
Protein change: p.Leu210His; replaces leucine 210 with histidine.
Molecular consequence: missense variant. On other transcripts: 5 prime UTR variant (2), non-coding transcript variant (1), intron variant (1).
Genome position (GRCh38, 1-based): chr7:105,547,023, T>A. VCF-style: chr7-105547023-T-A. GRCh37 (hg19) VCF-style: chr7-105187470-T-A.
Other names: c.395T>A, p.Leu132His (NM_001346599.2); c.-391T>A (NM_001346600.2); c.-294T>A (NM_001346601.2); c.-27-3032T>A (NM_001346603.2); short protein forms L210H, L132H.
Identifiers: ClinVar variation 1752699 (VCV001752699.5), dbSNP rs748281522, ClinGen allele CA368805659.